The following is an entry in ClinVar:

NM_001329943.3(KIAA0586):c.3599C>T (p.Pro1200Leu)

Gene: KIAA0586 (KIAA0586; plus strand). Cytogenetic location: 14q23.1.
Variant type: single nucleotide variant.
Coding change: c.3599C>T on transcript NM_001329943.3 (MANE Select); coding-DNA position 3599, C replaced by T.
Protein change: p.Pro1200Leu; replaces proline 1200 with leucine.
Molecular consequence: missense variant.
Genome position (GRCh38, 1-based): chr14:58,488,692, C>T. VCF-style: chr14-58488692-C-T. GRCh37 (hg19) VCF-style: chr14-58955410-C-T.
Other names: c.3758C>T, p.Pro1253Leu (NM_001244189.2); c.3554C>T, p.Pro1185Leu (NM_001244190.2); c.3344C>T, p.Pro1115Leu (NM_001244191.2, NM_001329945.2, NM_001364700.1 and 1 more transcripts); c.3467C>T, p.Pro1156Leu (NM_001244192.2); c.3179C>T, p.Pro1060Leu (NM_001244193.2); c.3599C>T, p.Pro1200Leu (NM_001329944.2, NM_001329946.2, NM_001329947.2); c.3371C>T, p.Pro1124Leu (NM_014749.5); c.3758C>T (NM_001244189.1); and 1 more; short protein forms P1185L, P1200L, P1124L, P1156L, P1253L, P1060L, P1115L.
Identifiers: ClinVar variation 1442784 (VCV001442784.8), dbSNP rs539304161, ClinGen allele CA7206211.

ClinVar aggregate classification (germline): Uncertain significance. Review status: criteria provided, multiple submitters, no conflicts (2 of 4 stars). 3 submissions from 3 submitters: Uncertain significance (3). Last evaluated 2025-02-11.

Conditions:
Inborn genetic diseases. Identifiers: MedGen C0950123, MeSH D030342.
Joubert syndrome 23 (JBTS23). Identifiers: Orphanet 475, MedGen C4084822, MONDO:0014664, OMIM 616490.
Short-rib thoracic dysplasia 14 with polydactyly (SRTD14). Identifiers: Orphanet 397715, MedGen C4225286, MONDO:0014688, OMIM 616546.

Allele frequency attached by ClinVar (database versions not stated): ExAC 0.00001; gnomAD 0.00001; gnomAD exomes 0.00001; TOPMed 0.00002.
gnomAD v4.1: 9 of 1,613,876 alleles (0.00056%); highest among the groups gnomAD compares: Middle Eastern, 0.033%; no homozygotes.

Submissions (3):

Ambry Genetics
Classification: Uncertain significance for Inborn genetic diseases. Last evaluated: 2025-02-11. Review status: criteria provided, single submitter. Criteria: Ambry Variant Classification Scheme 2023. Collection method: clinical testing. Allele origin: germline.

Labcorp Genetics (formerly Invitae), Labcorp
Classification: Uncertain significance for Joubert syndrome 23; Short-rib thoracic dysplasia 14 with polydactyly. Last evaluated: 2023-05-15. Review status: criteria provided, single submitter. Criteria: Invitae Variant Classification Sherloc (09022015). Collection method: clinical testing. Allele origin: germline.
Comment: This variant has not been reported in the literature in individuals affected with KIAA0586-related conditions. ClinVar contains an entry for this variant (Variation ID: 1442784). Advanced modeling of protein sequence and biophysical properties (such as structural, functional, and spatial information, amino acid conservation, physicochemical variation, residue mobility, and thermodynamic stability) has been performed at Invitae for this missense variant, however the output from this modeling did not meet the statistical confidence thresholds required to predict the impact of this variant on KIAA0586 protein function. In summary, the available evidence is currently insufficient to determine the role of this variant in disease. Therefore, it has been classified as a Variant of Uncertain Significance. This variant is present in population databases (rs539304161, gnomAD 0.006%). This sequence change replaces proline, which is neutral and non-polar, with leucine, which is neutral and non-polar, at codon 1253 of the KIAA0586 protein (p.Pro1253Leu).

GeneDx
Classification: Uncertain significance. Last evaluated: 2022-08-04. Review status: criteria provided, single submitter. Criteria: GeneDx Variant Classification Process June 2021. Collection method: clinical testing. Allele origin: germline. Affected: yes.
Comment: In silico analysis supports that this missense variant has a deleterious effect on protein structure/function; Has not been previously published as pathogenic or benign to our knowledge